The following is an entry in ClinVar:

ClinVar aggregate classification (germline): Likely benign. Review status: criteria provided, single submitter (1 of 4 stars). 2 submissions from 2 submitters: Likely benign (1). 1 of the submissions does not count toward it. Last evaluated 2023-04-15.

Conditions:
DDX41-related disorder. Also called: DDX41-related condition.

gnomAD v4.1: 2 of 1,614,136 alleles (0.00012%); highest among the groups gnomAD compares: Non-Finnish European, 0.000085%; no homozygotes.

Submissions (2):

Labcorp Genetics (formerly Invitae), Labcorp
Classification: Likely benign. Last evaluated: 2023-04-15. Review status: criteria provided, single submitter. Criteria: Invitae Variant Classification Sherloc (09022015). Collection method: clinical testing. Allele origin: germline.

PreventionGenetics, part of Exact Sciences
Classification: Likely benign for DDX41-related condition. Last evaluated: 2022-09-29. Review status: no assertion criteria provided. Collection method: clinical testing. Allele origin: germline. Not counted in ClinVar's aggregate classification.
Comment: This variant is classified as likely benign based on ACMG/AMP sequence variant interpretation guidelines (Richards et al. 2015 PMID: 25741868, with internal and published modifications).

NM_016222.4(DDX41):c.435-8A>C

Gene: DDX41 (DEAD-box helicase 41; minus strand). Cytogenetic location: 5q35.3.
Variant type: single nucleotide variant.
Coding change: c.435-8A>C on transcript NM_016222.4 (MANE Select); 8 bases into the intron before coding-DNA position 435, A replaced by C.
Molecular consequence: intron variant.
Genome position (GRCh38, 1-based): chr5:177,515,829, T>G on the plus strand (A>C on the coding strand, the complement: DDX41 is on the minus strand). VCF-style: chr5-177515829-T-G. GRCh37 (hg19) VCF-style: chr5-176942830-T-G.
Other names: c.435-8A>C (NM_016222.3); c.57-8A>C (NM_001321830.2, NM_001321732.2).
Identifiers: ClinVar variation 2971951 (VCV002971951.5), dbSNP rs375056519, ClinGen allele CA132893661.